The following is an entry in ClinVar:

ClinVar aggregate classification (germline): Benign/Likely benign. Review status: criteria provided, multiple submitters, no conflicts (2 of 4 stars). 5 submissions from 5 submitters: Benign (4); Likely benign (1). Last evaluated 2026-02-04.

Conditions:
Inflammatory skin and bowel disease, neonatal, 1. Identifiers: Orphanet 294023, MedGen C3280501, MONDO:0013693, OMIM 614328.

Allele frequency attached by ClinVar (database versions not stated): 1000 Genomes Project 30x 0.00796; 1000 Genomes Project 0.00839; TOPMed 0.01139; ESP Exome Variant Server 0.01153; gnomAD 0.01223.
gnomAD v4.1: 22,862 of 1,614,228 alleles (1.4%); highest among the groups gnomAD compares: South Asian, 1.6%; 218 homozygotes.

Submissions (5):

Labcorp Genetics (formerly Invitae), Labcorp
Classification: Benign for Inflammatory skin and bowel disease, neonatal, 1. Last evaluated: 2026-02-04. Review status: criteria provided, single submitter. Criteria: Invitae Variant Classification Sherloc (09022015). Collection method: clinical testing. Allele origin: germline.

Women's Health and Genetics/Laboratory Corporation of America, LabCorp
Classification: Benign. Last evaluated: 2026-01-22. Review status: criteria provided, single submitter. Criteria: LabCorp Variant Classification Summary - May 2015. Collection method: clinical testing. Allele origin: germline.

Blueprint Genetics
Classification: Likely benign. Last evaluated: 2024-11-23. Review status: criteria provided, single submitter. Criteria: ACMG Guidelines, 2015. Collection method: clinical testing. Allele origin: germline.

Mayo Clinic Laboratories, Mayo Clinic
Classification: Benign. Last evaluated: 2024-01-31. Review status: criteria provided, single submitter. Criteria: ACMG Guidelines, 2015. Collection method: clinical testing. Allele origin: germline. Observed: 29 variant alleles.
Comment: BS1, BS2, BP4, BP7

Breakthrough Genomics
Classification: Benign. Review status: criteria provided, single submitter. Criteria: ACMG Guidelines, 2015. Collection method: not provided. Allele origin: germline. Inheritance: Autosomal recessive inheritance. Affected: yes.

NM_003183.6(ADAM17):c.1695T>C (p.Thr565=)

Genes: ADAM17 (ADAM metallopeptidase domain 17; minus strand), IAH1 (isoamyl acetate hydrolyzing esterase 1 (putative); plus strand). Cytogenetic location: 2p25.1.
Variant type: single nucleotide variant.
Coding change: c.1695T>C on transcript NM_003183.6 (MANE Select); coding-DNA position 1695, T replaced by C.
Protein change: p.Thr565=; no amino-acid change (threonine 565 retained).
Molecular consequence: synonymous variant.
Genome position (GRCh38, 1-based): chr2:9,497,202, A>G on the plus strand (T>C on the coding strand, the complement: ADAM17 is on the minus strand). VCF-style: chr2-9497202-A-G. GRCh37 (hg19) VCF-style: chr2-9637331-A-G.
Other names: p.Thr565=; c.1695T>C, p.Thr565= (LRG_1203t1).
Identifiers: ClinVar variation 472724 (VCV000472724.15), dbSNP rs56237316, ClinGen allele CA1523431.